The following is an entry in ClinVar:

NM_015001.3(SPEN):c.5471C>T (p.Ser1824Leu)

Gene: SPEN (spen family transcriptional repressor; plus strand). Cytogenetic location: 1p36.13.
Variant type: single nucleotide variant.
Coding change: c.5471C>T on transcript NM_015001.3 (MANE Select); coding-DNA position 5471, C replaced by T.
Protein change: p.Ser1824Leu; replaces serine 1824 with leucine.
Molecular consequence: missense variant.
Genome position (GRCh38, 1-based): chr1:15,931,711, C>T. VCF-style: chr1-15931711-C-T. GRCh37 (hg19) VCF-style: chr1-16258206-C-T.
Other names: short protein forms S1824L.
Identifiers: ClinVar variation 3367613 (VCV003367613.1).

ClinVar aggregate classification (germline): Uncertain significance (1 of 4 stars; one submission).

Submission:

GeneDx
Classification: Uncertain significance. Last evaluated: 2024-01-05. Review status: criteria provided, single submitter. Criteria: GeneDx Variant Classification Process June 2021. Collection method: clinical testing. Allele origin: germline. Affected: yes.
Comment: Not observed at significant frequency in large population cohorts (gnomAD); In silico analysis supports that this missense variant does not alter protein structure/function; Has not been previously published as pathogenic or benign to our knowledge